The following is an entry in ClinVar:

ClinVar aggregate classification (germline): Uncertain significance (1 of 4 stars; one submission).

Submission:

CeGaT Center for Human Genetics Tuebingen
Classification: Uncertain significance. Last evaluated: 2026-09-01. Review status: criteria provided, single submitter. Criteria: CeGaT Center For Human Genetics Tuebingen Variant Classification Criteria Version 2. Collection method: clinical testing. Allele origin: germline. Affected: yes. Observed: 1 variant allele.
Comment: CLCN3: PM2, PVS1:Moderate

NM_001829.4(CLCN3):c.1622_1623del (p.Val541fs)

Gene: CLCN3 (Cl-/H+ antiporter 3; plus strand). Cytogenetic location: 4q33.
Variant type: Microsatellite.
Coding change: c.1622_1623del on transcript NM_001829.4 (MANE Select); coding-DNA positions 1622 to 1623, 2 bases deleted (TG; older notation c.1622_1623delTG).
Protein change: p.Val541fs; shifts the reading frame from valine 541.
Molecular consequence: frameshift variant.
Genome position (GRCh38, 1-based): chr4:169,704,056-169,704,057, TG deleted; deleting any 2 consecutive bases within chr4:169,704,054-169,704,057 gives the same sequence; the c. name uses the placement nearest the transcript's 3' end. VCF-style (leftmost placement, unchanged base first): chr4-169704053-TTG-T. GRCh37 (hg19) VCF-style: chr4-170625204-TTG-T.
Other names: c.1541_1542del, p.Val514fs (NM_001243372.2, NM_001243374.2); c.1622_1623del, p.Val541fs (NM_173872.4); short protein forms V514fs, V541fs.
Identifiers: ClinVar variation 5041567 (VCV005041567.1).
Genomic context (GRCh38, chr4:169,704,053, plus strand): 5'-TATAGGTTCCATCAGGCTTGTTCATCCCCAGCATGGCCATTGGAGCGATCGCAGGAAGGA[TTG>T]TGGGGATTGCGGTGGAGCAGCTTGCCTACTATCACCACGACTGGTTTATCTTTAAGGAGT-3'